The following is an entry in ClinVar:

NC_000002.11:g.(?_173330247)_(173330411_?)del

Gene: ITGA6 (integrin subunit alpha 6; plus strand). Cytogenetic location: 2q31.1.
Variant type: Deletion.
Identifiers: ClinVar variation 3247460 (VCV003247460.1).

ClinVar aggregate classification (germline): Pathogenic (1 of 4 stars; one submission).

Submission:

Labcorp Genetics (formerly Invitae), Labcorp
Classification: Pathogenic. Last evaluated: 2023-04-06. Review status: criteria provided, single submitter. Criteria: Invitae Variant Classification Sherloc (09022015). Collection method: clinical testing. Allele origin: unknown.
Comment: For these reasons, this variant has been classified as Pathogenic. This variant has not been reported in the literature in individuals affected with ITGA6-related conditions. This variant is a gross deletion of the genomic region encompassing exon(s) 2 of the ITGA6 gene. This deletion is out-of-frame, and is expected to create a premature termination codon and result in an absent or disrupted protein product. Loss-of-function variants in ITGA6 are known to be pathogenic (PMID: 9158140, 9185503, 9804362, 27607025).

Literature cited by the submitters: PubMed 9158140; PubMed 9185503; PubMed 9804362; PubMed 27607025.